The following is an entry in ClinVar:

NM_000138.5(FBN1):c.1847A>G (p.Glu616Gly)

Gene: FBN1 (fibrillin 1; minus strand). Cytogenetic location: 15q21.1.
Variant type: single nucleotide variant.
Coding change: c.1847A>G on transcript NM_000138.5 (MANE Select); coding-DNA position 1847, A replaced by G.
Protein change: p.Glu616Gly; replaces glutamic acid 616 with glycine.
Molecular consequence: missense variant.
Genome position (GRCh38, 1-based): chr15:48,505,138, T>C on the plus strand (A>G on the coding strand, the complement: FBN1 is on the minus strand). VCF-style: chr15-48505138-T-C. GRCh37 (hg19) VCF-style: chr15-48797335-T-C.
Other names: short protein forms E616G.
Identifiers: ClinVar variation 495562 (VCV000495562.5), dbSNP rs25457, ClinGen allele CA269550127.

ClinVar aggregate classification (germline): Conflicting classifications of pathogenicity. Review status: criteria provided, conflicting classifications (1 of 4 stars). 2 submissions from 2 submitters: Pathogenic (1); Uncertain significance (1). Last evaluated 2025-06-08.

Conditions:
Marfan syndrome (MFS). Also called: MARFAN SYNDROME, TYPE I; FBN1-Related Marfan Syndrome; Marfan syndrome type 1; Marfan's syndrome; Marfan syndrome, classic. Identifiers: Orphanet 284963, Orphanet 558, MedGen C0024796, MONDO:0007947, OMIM 154700.
Familial thoracic aortic aneurysm and aortic dissection (TAAD). Also called: Thoracic aortic aneurysms and dissections. Identifiers: Orphanet 91387, MedGen C4707243, MONDO:0019625.

Submissions (2):

Labcorp Genetics (formerly Invitae), Labcorp
Classification: Pathogenic for Marfan syndrome; Familial thoracic aortic aneurysm and aortic dissection. Last evaluated: 2025-06-08. Review status: criteria provided, single submitter. Criteria: Invitae Variant Classification Sherloc (09022015). Collection method: clinical testing. Allele origin: germline.
Comment: This sequence change replaces glutamic acid, which is acidic and polar, with glycine, which is neutral and non-polar, at codon 616 of the FBN1 protein (p.Glu616Gly). This variant is not present in population databases (gnomAD no frequency). This missense change has been observed in individuals with Marfan syndrome or its clinical features (PMID: 10464652; internal data). ClinVar contains an entry for this variant (Variation ID: 495562). Invitae Evidence Modeling of protein sequence and biophysical properties (such as structural, functional, and spatial information, amino acid conservation, physicochemical variation, residue mobility, and thermodynamic stability) indicates that this missense variant is expected to disrupt FBN1 protein function with a positive predictive value of 95%. This variant disrupts the p.Glu616 amino acid residue in FBN1. Other variant(s) that disrupt this residue have been determined to be pathogenic (PMID: 10464652, 12938084, 19293843; internal data). This suggests that this residue is clinically significant, and that variants that disrupt this residue are likely to be disease-causing. For these reasons, this variant has been classified as Pathogenic.

Women's Health and Genetics/Laboratory Corporation of America, LabCorp
Classification: Uncertain significance. Last evaluated: 2016-04-19. Review status: criteria provided, single submitter. Criteria: LabCorp Variant Classification Summary - May 2015. Collection method: clinical testing. Allele origin: germline.
Comment: Variant summary: The c.1847A>G variant affects a conserved nucleotide, resulting in amino acid change from Glu to Gly. 4/4 in-silico tools predict damaging outcome for this variant (SNPs&GO not captured due to low reliability index). Although 5/5 splice-site tools via Alamut predict that this variant does not affect consensus splice sites, 2/5 tools predict the variant to strengthen a cryptic 5' splicing donor site. ESE finder predicts that this variant may create an ESE site of SRp40. These prediction results have not been verified by experimental studies. This variant has been reported in at least one patient with MFS or MFS-like phenotype (Liu_1997) and not found in 121398 control chromosomes. Because of the absence of sufficient clinical information and the lack of functional studies, the variant has currently been classified as a variant of uncertain significance (VUS) until additional information becomes available.

Literature cited by the submitters: PubMed 10464652 (cited by Labcorp Genetics (formerly Invitae), Labcorp and Women's Health and Genetics/Laboratory Corporation of America, LabCorp); PubMed 12938084 (cited by Labcorp Genetics (formerly Invitae), Labcorp); PubMed 19293843 (cited by Labcorp Genetics (formerly Invitae), Labcorp); PubMed 24941995 (cited by Women's Health and Genetics/Laboratory Corporation of America, LabCorp); PubMed 11108952 (cited by Women's Health and Genetics/Laboratory Corporation of America, LabCorp); PubMed 10942427 (cited by Women's Health and Genetics/Laboratory Corporation of America, LabCorp).